The following is an entry in ClinVar:

ClinVar aggregate classification (germline): Conflicting classifications of pathogenicity. Review status: criteria provided, conflicting classifications (1 of 4 stars). 5 submissions from 5 submitters: Uncertain significance (1); Likely benign (4). Last evaluated 2026-01-06.

Conditions:
CAPN5-related disorder. Also called: CAPN5-related condition.
Inborn genetic diseases. Identifiers: MedGen C0950123, MeSH D030342.

Allele frequency attached by ClinVar (database versions not stated): gnomAD exomes 0.00016 and 0.00022; ExAC 0.00027; gnomAD 0.00055 and 0.00066; ESP Exome Variant Server 0.00062; TOPMed 0.00063.
gnomAD v4.1: 327 of 1,613,774 alleles (0.02%); highest among the groups gnomAD compares: African/African-American, 0.18%; 1 homozygote.

Submissions (5):

Labcorp Genetics (formerly Invitae), Labcorp
Classification: Likely benign. Last evaluated: 2026-01-06. Review status: criteria provided, single submitter. Criteria: Invitae Variant Classification Sherloc (09022015). Collection method: clinical testing. Allele origin: germline.

Ambry Genetics
Classification: Uncertain significance for Inborn genetic diseases. Last evaluated: 2025-12-04. Review status: criteria provided, single submitter. Criteria: Ambry Variant Classification Scheme 2023. Collection method: clinical testing. Allele origin: germline.

PreventionGenetics, part of Exact Sciences
Classification: Likely benign for CAPN5-related condition. Last evaluated: 2025-03-26. Review status: criteria provided, single submitter. Criteria: ACMG Guidelines, 2015. Collection method: clinical testing. Allele origin: germline.
Comment: This variant is classified as likely benign based on ACMG/AMP sequence variant interpretation guidelines (Richards et al. 2015 PMID: 25741868, with internal and published modifications).

Blueprint Genetics
Classification: Likely benign. Last evaluated: 2024-10-09. Review status: criteria provided, single submitter. Criteria: ACMG Guidelines, 2015. Collection method: clinical testing. Allele origin: germline.

Eurofins Ntd Llc (ga)
Classification: Likely benign. Last evaluated: 2017-04-11. Review status: criteria provided, single submitter. Criteria: EGL Classification Definitions 2015. Collection method: clinical testing. Allele origin: germline. Observed: 1 variant allele, 1 heterozygote.

NM_004055.5(CAPN5):c.52C>T (p.Arg18Trp)

Gene: CAPN5 (calpain 5; plus strand). Cytogenetic location: 11q13.5.
Variant type: single nucleotide variant.
Coding change: c.52C>T on transcript NM_004055.5 (MANE Select); coding-DNA position 52, C replaced by T.
Protein change: p.Arg18Trp; replaces arginine 18 with tryptophan.
Molecular consequence: missense variant.
Genome position (GRCh38, 1-based): chr11:77,084,938, C>T. VCF-style: chr11-77084938-C-T. GRCh37 (hg19) VCF-style: chr11-76795984-C-T.
Other names: c.52C>T (NM_004055.4); short protein forms R18W.
Identifiers: ClinVar variation 501411 (VCV000501411.16), dbSNP rs149132399, ClinGen allele CA6196079.